The following is an entry in ClinVar:

ClinVar aggregate classification (germline): Uncertain significance (1 of 4 stars; one submission).

Conditions:
Inborn genetic diseases. Identifiers: MedGen C0950123, MeSH D030342.

Submission:

Ambry Genetics
Classification: Uncertain significance for Inborn genetic diseases. Last evaluated: 2023-12-10. Review status: criteria provided, single submitter. Criteria: Ambry Variant Classification Scheme 2023. Collection method: clinical testing. Allele origin: germline.
Comment: The p.E399Q variant (also known as c.1195G>C), located in coding exon 9 of the EPAS1 gene, results from a G to C substitution at nucleotide position 1195. The glutamic acid at codon 399 is replaced by glutamine, an amino acid with highly similar properties. This amino acid position is conserved. In addition, this alteration is predicted to be tolerated by in silico analysis. Since supporting evidence is limited at this time, the clinical significance of this alteration remains unclear.

NM_001430.5(EPAS1):c.1195G>C (p.Glu399Gln)

Gene: EPAS1 (endothelial PAS domain protein 1; plus strand). Cytogenetic location: 2p21.
Variant type: single nucleotide variant.
Coding change: c.1195G>C on transcript NM_001430.5 (MANE Select); coding-DNA position 1195, G replaced by C.
Protein change: p.Glu399Gln; replaces glutamic acid 399 with glutamine.
Molecular consequence: missense variant.
Genome position (GRCh38, 1-based): chr2:46,376,699, G>C. VCF-style: chr2-46376699-G-C. GRCh37 (hg19) VCF-style: chr2-46603838-G-C.
Other names: short protein forms E399Q.
Identifiers: ClinVar variation 3221528 (VCV003221528.1), dbSNP rs757478499, ClinGen allele CA346703394.